The following is an entry in ClinVar:

NM_000090.4(COL3A1):c.2737G>C (p.Ala913Pro)

Gene: COL3A1 (collagen type III alpha 1 chain; plus strand). Cytogenetic location: 2q32.2.
Variant type: single nucleotide variant.
Coding change: c.2737G>C on transcript NM_000090.4 (MANE Select); coding-DNA position 2737, G replaced by C.
Protein change: p.Ala913Pro; replaces alanine 913 with proline.
Molecular consequence: missense variant.
Genome position (GRCh38, 1-based): chr2:189,004,057, G>C. VCF-style: chr2-189004057-G-C. GRCh37 (hg19) VCF-style: chr2-189868783-G-C.
Other names: short protein forms A913P.
Identifiers: ClinVar variation 2775126 (VCV002775126.2), dbSNP rs2469153554, ClinGen allele CA349843988.
Genomic context (GRCh38, chr2:189,004,057, plus strand): 5'-CCAGGTCCCAGCGGTTCTCCAGGCAAGGATGGGCCCCCAGGTCCTGCGGGTAACACTGGT[G>C]CTCCTGGCAGCCCTGGAGTGTCTGGACCAAAAGGTGATGCTGGCCAACCAGGAGAGAAGG-3'
Protein context (NP_000081.2, residues 903-923): GPPGPAGNTG[Ala913Pro]PGSPGVSGPK

ClinVar aggregate classification (germline): Uncertain significance (1 of 4 stars; one submission).

Conditions:
Familial thoracic aortic aneurysm and aortic dissection (TAAD). Also called: Thoracic aortic aneurysms and dissections. Identifiers: Orphanet 91387, MedGen C4707243, MONDO:0019625.

Submission:

Color Diagnostics, LLC DBA Color Health
Classification: Uncertain significance for Familial thoracic aortic aneurysm and aortic dissection. Last evaluated: 2023-05-01. Review status: criteria provided, single submitter. Criteria: ACMG Guidelines, 2015. Collection method: clinical testing. Allele origin: germline.
Comment: This missense variant replaces alanine with proline at codon 913 of the COL3A1 protein. Computational prediction suggests that this variant may not impact protein structure and function (internally defined REVEL score threshold <= 0.5, PMID: 27666373). To our knowledge, functional studies have not been reported for this variant. This variant has not been reported in individuals affected with COL3A1-related disorders in the literature. This variant has not been identified in the general population by the Genome Aggregation Database (gnomAD). The available evidence is insufficient to determine the role of this variant in disease conclusively. Therefore, this variant is classified as a Variant of Uncertain Significance.